The following is an entry in ClinVar:

NM_000264.5(PTCH1):c.4087G>C (p.Gly1363Arg)

Gene: PTCH1 (patched 1; minus strand). Cytogenetic location: 9q22.32.
Variant type: single nucleotide variant.
Coding change: c.4087G>C on transcript NM_000264.5 (MANE Select); coding-DNA position 4087, G replaced by C.
Protein change: p.Gly1363Arg; replaces glycine 1363 with arginine.
Molecular consequence: missense variant. On other transcripts: non-coding transcript variant (1).
Genome position (GRCh38, 1-based): chr9:95,447,169, C>G on the plus strand (G>C on the coding strand, the complement: PTCH1 is on the minus strand). VCF-style: chr9-95447169-C-G. GRCh37 (hg19) VCF-style: chr9-98209451-C-G.
Other names: c.3889G>C, p.Gly1297Arg (NM_001083602.3); c.4084G>C, p.Gly1362Arg (NM_001083603.3); c.3634G>C, p.Gly1212Arg (NM_001083604.3, NM_001083605.3, NM_001083606.3 and 1 more transcripts); c.3931G>C, p.Gly1311Arg (NM_001354918.2); short protein forms G1362R, G1297R, G1311R, G1363R, G1212R.
Identifiers: ClinVar variation 653989 (VCV000653989.10), dbSNP rs767625820, ClinGen allele CA5137956.

ClinVar aggregate classification (germline): Conflicting classifications of pathogenicity. Review status: criteria provided, conflicting classifications (1 of 4 stars). 3 submissions from 3 submitters: Uncertain significance (1); Likely benign (2). Last evaluated 2025-06-03.

Conditions:
Hereditary cancer-predisposing syndrome. Also called: Neoplastic Syndromes, Hereditary; Hereditary neoplastic syndrome; Hereditary Cancer Syndrome; Tumor predisposition. Identifiers: Orphanet 140162, MedGen C0027672, MeSH D009386, MONDO:0015356.
Gorlin syndrome. Also called: Nevoid Basal Cell Carcinoma Syndrome; Basal cell nevus syndrome. Identifiers: Orphanet 377, MedGen C0004779, MONDO:0007187.

gnomAD v4.1: 9 of 1,613,074 alleles (0.00056%); highest among the groups gnomAD compares: Non-Finnish European, 0.00068%; no homozygotes.

Submissions (3):

Labcorp Genetics (formerly Invitae), Labcorp
Classification: Likely benign for Gorlin syndrome. Last evaluated: 2025-06-03. Review status: criteria provided, single submitter. Criteria: Invitae Variant Classification Sherloc (09022015). Collection method: clinical testing. Allele origin: germline.

Sema4
Classification: Uncertain significance for Hereditary cancer-predisposing syndrome. Last evaluated: 2021-07-27. Review status: criteria provided, single submitter. Criteria: Sema4 Curation Guidelines. Collection method: curation. Allele origin: germline.
Comment: The PTCH1 c.4087G>C (p.G1363R) variant has not been reported in the literature to our knowledge. It was observed in 2/110750 chromosomes of the Non-Finnish European subpopulation in the large and broad cohorts of the Genome Aggregation Database (PMID: 32461654). The variant has been reported in ClinVar (Variation ID: 653989). Functional studies have not been performed and in silico predictions of the variant's effect on protein function are inconclusive. The evidence is insufficient to meet ACMG/AMP criteria for classifying the variant as benign or pathogenic. Thus, the clinical significance of this variant is currently uncertain.

Ambry Genetics
Classification: Likely benign for Hereditary cancer-predisposing syndrome. Last evaluated: 2021-07-06. Review status: criteria provided, single submitter. Criteria: Ambry Variant Classification Scheme 2023. Collection method: clinical testing. Allele origin: germline.